The following is an entry in ClinVar:

ClinVar aggregate classification (germline): Uncertain significance. Review status: criteria provided, multiple submitters, no conflicts (2 of 4 stars). 2 submissions from 2 submitters: Uncertain significance (2). Last evaluated 2023-04-10.

Conditions:
Neuropathy, hereditary sensory, type 2C. Also called: KIF1A-Related HSAN2 (HSAN2C); Hereditary sensory and autonomic neuropathy type IIC. Identifiers: Orphanet 970, MedGen C3280168, MONDO:0013634, OMIM 614213.
Intellectual disability, autosomal dominant 9 (NESCAVS). Also called: KIF1A-Related Neurodevelopmental Disorder; NESCAV SYNDROME. Identifiers: Orphanet 662367, MedGen C5393830, MONDO:0013656, OMIM 614255.
Hereditary spastic paraplegia 30. Identifiers: Orphanet 101010, MedGen C5235139, MONDO:0012476.

Submissions (2):

Labcorp Genetics (formerly Invitae), Labcorp
Classification: Uncertain significance for Hereditary spastic paraplegia 30; Neuropathy, hereditary sensory, type 2C; Intellectual disability, autosomal dominant 9. Last evaluated: 2023-04-10. Review status: criteria provided, single submitter. Criteria: Invitae Variant Classification Sherloc (09022015). Collection method: clinical testing. Allele origin: germline.
Comment: In summary, the available evidence is currently insufficient to determine the role of this variant in disease. Therefore, it has been classified as a Variant of Uncertain Significance. Advanced modeling of protein sequence and biophysical properties (such as structural, functional, and spatial information, amino acid conservation, physicochemical variation, residue mobility, and thermodynamic stability) has been performed at Invitae for this missense variant, however the output from this modeling did not meet the statistical confidence thresholds required to predict the impact of this variant on KIF1A protein function. ClinVar contains an entry for this variant (Variation ID: 1327399). This variant has not been reported in the literature in individuals affected with KIF1A-related conditions. This variant is not present in population databases (gnomAD no frequency). This sequence change replaces arginine, which is basic and polar, with glutamine, which is neutral and polar, at codon 778 of the KIF1A protein (p.Arg778Gln).

GeneDx
Classification: Uncertain significance. Last evaluated: 2021-06-01. Review status: criteria provided, single submitter. Criteria: GeneDx Variant Classification Process June 2021. Collection method: clinical testing. Allele origin: germline. Affected: yes.
Comment: Not observed in large population cohorts (Lek et al., 2016); In silico analysis supports that this missense variant has a deleterious effect on protein structure/function; Has not been previously published as pathogenic or benign to our knowledge; This variant is associated with the following publications: (PMID: 21376300, 26125038, 21820098, 26410750, 27535533)

NM_001244008.2(KIF1A):c.2360G>A (p.Arg787Gln)

Gene: KIF1A (kinesin family member 1A; minus strand). Cytogenetic location: 2q37.3.
Variant type: single nucleotide variant.
Coding change: c.2360G>A on transcript NM_001244008.2 (MANE Select); coding-DNA position 2360, G replaced by A.
Protein change: p.Arg787Gln; replaces arginine 787 with glutamine.
Molecular consequence: missense variant.
Genome position (GRCh38, 1-based): chr2:240,760,749, C>T on the plus strand (G>A on the coding strand, the complement: KIF1A is on the minus strand). VCF-style: chr2-240760749-C-T. GRCh37 (hg19) VCF-style: chr2-241700166-C-T.
Other names: c.2360G>A, p.Arg787Gln (NM_001320705.2, NM_001330289.2, NM_001379638.1); c.2435G>A, p.Arg812Gln (NM_001330290.2, NM_001379631.1, NM_001379634.1 and 2 more transcripts); c.2333G>A, p.Arg778Gln (NM_001379632.1, NM_001379633.1, NM_001379636.1 and 10 more transcripts); c.2408G>A, p.Arg803Gln (NM_001379637.1, NM_001379648.1); short protein forms R778Q, R787Q, R803Q, R812Q.
Identifiers: ClinVar variation 1327399 (VCV001327399.5), dbSNP rs372487596, ClinGen allele CA351324831.